The following is an entry in ClinVar:

ClinVar aggregate classification (germline): Pathogenic (1 of 4 stars; one submission).

Conditions:
DOCK2 deficiency. Also called: Immunodeficiency 40. Identifiers: Orphanet 447737, MedGen C4225328, MONDO:0014637, OMIM 616433.

Submission:

Labcorp Genetics (formerly Invitae), Labcorp
Classification: Pathogenic for DOCK2 deficiency. Last evaluated: 2024-12-04. Review status: criteria provided, single submitter. Criteria: Invitae Variant Classification Sherloc (09022015). Collection method: clinical testing. Allele origin: germline.
Comment: This sequence change creates a premature translational stop signal (p.Arg444Glufs*18) in the DOCK2 gene. It is expected to result in an absent or disrupted protein product. Loss-of-function variants in DOCK2 are known to be pathogenic (PMID: 26083206). This variant is not present in population databases (gnomAD no frequency). This variant has not been reported in the literature in individuals affected with DOCK2-related conditions. For these reasons, this variant has been classified as Pathogenic.

Literature cited by the submitters: PubMed 26083206.

NM_004946.3(DOCK2):c.1330_1331del (p.Arg444fs)

Gene: DOCK2 (dedicator of cytokinesis 2; plus strand). Cytogenetic location: 5q35.1.
Variant type: Microsatellite.
Coding change: c.1330_1331del on transcript NM_004946.3 (MANE Select); coding-DNA positions 1330 to 1331, 2 bases deleted (AG; older notation c.1330_1331delAG).
Protein change: p.Arg444fs; shifts the reading frame from arginine 444.
Molecular consequence: frameshift variant. On other transcripts: non-coding transcript variant (1).
Genome position (GRCh38, 1-based): chr5:169,702,374-169,702,375, AG deleted; deleting any 2 consecutive bases within chr5:169,702,372-169,702,375 gives the same sequence; the c. name uses the placement nearest the transcript's 3' end. VCF-style (leftmost placement, unchanged base first): chr5-169702371-CAG-C. GRCh37 (hg19) VCF-style: chr5-169129375-CAG-C.
Other names: short protein forms R444fs.
Identifiers: ClinVar variation 3726565 (VCV003726565.2).
Genomic context (GRCh38, chr5:169,702,371, plus strand): 5'-AGGAACGACATCTACATTACTCTCTTACAAGGTGACTTTGACAAGTACAACAAGACCACA[CAG>C]AGGAATGTGGAAGTCATCATGTGTGTGTGCGCGGAGGATGGCAAAACGCTGCCTGTAAGG-3'